The following is an entry in ClinVar:

ClinVar aggregate classification (germline): Uncertain significance (1 of 4 stars; one submission).

Allele frequency attached by ClinVar (database versions not stated): gnomAD exomes 0.00004; ExAC 0.00005; TOPMed 0.00006; gnomAD 0.00008; 1000 Genomes Project 30x 0.00016; 1000 Genomes Project 0.00020.
gnomAD v4.1: 72 of 1,612,004 alleles (0.0045%); highest among the groups gnomAD compares: South Asian, 0.029%; no homozygotes.

Submission:

CeGaT Center for Human Genetics Tuebingen
Classification: Uncertain significance. Last evaluated: 2022-11-01. Review status: criteria provided, single submitter. Criteria: CeGaT Center For Human Genetics Tuebingen Variant Classification Criteria Version 2. Collection method: clinical testing. Allele origin: germline. Affected: yes. Observed: 1 variant allele.
Comment: TG: PM2, BP4

NM_003235.5(TG):c.3836G>A (p.Arg1279Gln)

Gene: TG (thyroglobulin; plus strand). Cytogenetic location: 8q24.22.
Variant type: single nucleotide variant.
Coding change: c.3836G>A on transcript NM_003235.5 (MANE Select); coding-DNA position 3836, G replaced by A.
Protein change: p.Arg1279Gln; replaces arginine 1279 with glutamine.
Molecular consequence: missense variant.
Genome position (GRCh38, 1-based): chr8:132,906,889, G>A. VCF-style: chr8-132906889-G-A. GRCh37 (hg19) VCF-style: chr8-133919134-G-A.
Other names: short protein forms R1279Q.
Identifiers: ClinVar variation 2658833 (VCV002658833.24), dbSNP rs546423640, ClinGen allele CA4883897.